The following is an entry in ClinVar:

NM_002528.7(NTHL1):c.664dup (p.Trp222fs)

Gene: NTHL1 (nth like DNA glycosylase 1; minus strand). Cytogenetic location: 16p13.3.
Variant type: Duplication.
Coding change: c.664dup on transcript NM_002528.7 (MANE Select); coding-DNA position 664, one base duplicated (T; older notation c.664dupT).
Protein change: p.Trp222fs; shifts the reading frame from tryptophan 222.
Molecular consequence: frameshift variant.
Genome position (GRCh38, 1-based): chr16:2,043,588, A duplicated on the plus strand (T on the coding strand, the reverse complement: NTHL1 is on the minus strand). VCF-style (leftmost placement, unchanged base first): chr16-2043587-C-CA. GRCh37 (hg19) VCF-style: chr16-2093588-C-CA.
Other names: c.493dup, p.Trp165fs (NM_001318193.2); c.334dup, p.Trp112fs (NM_001318194.2); short protein forms W112fs, W222fs, W165fs.
Identifiers: ClinVar variation 2020093 (VCV002020093.4), dbSNP rs2548314993, ClinGen allele CA2580090539.
Genomic context (GRCh38, chr16:2,043,587, plus strand): 5'-AGCCAGTGGGCTGGAGCCAGCCCCGCCCTCCTCTACTCACCAATGCCTGACACAGTGCCC[C>CA]AGGCCACAGCCATAGCCAGGTGTGCCATCTTGGGCCCAACACCCGGCAGCGCCACCAGCT-3'

ClinVar aggregate classification (germline): Pathogenic (1 of 4 stars; one submission).

Submission:

Labcorp Genetics (formerly Invitae), Labcorp
Classification: Pathogenic. Last evaluated: 2023-02-27. Review status: criteria provided, single submitter. Criteria: Invitae Variant Classification Sherloc (09022015). Collection method: clinical testing. Allele origin: germline.
Comment: For these reasons, this variant has been classified as Pathogenic. This variant disrupts a region of the NTHL1 protein in which other variant(s) (p.Gln287*) have been determined to be pathogenic (PMID: 27329137, 28912133, 30753826; Invitae). This suggests that this is a clinically significant region of the protein, and that variants that disrupt it are likely to be disease-causing. ClinVar contains an entry for this variant (Variation ID: 2020093). This variant has not been reported in the literature in individuals affected with NTHL1-related conditions. This variant is not present in population databases (gnomAD no frequency). This sequence change creates a premature translational stop signal (p.Trp230Leufs*43) in the NTHL1 gene. While this is not anticipated to result in nonsense mediated decay, it is expected to disrupt the last 83 amino acid(s) of the NTHL1 protein.

Literature cited by the submitters: PubMed 27329137; PubMed 28912133; PubMed 30753826.